The following is an entry in ClinVar:

ClinVar aggregate classification (germline): Uncertain significance. Review status: criteria provided, multiple submitters, no conflicts (2 of 4 stars). 2 submissions from 2 submitters: Uncertain significance (2). Last evaluated 2024-12-29.

Conditions:
Inborn genetic diseases. Identifiers: MedGen C0950123, MeSH D030342.
Fanconi anemia (FA). Also called: Fanconi's anemia. Identifiers: Orphanet 84, MedGen C0015625, MeSH D005199, MONDO:0019391.

Submissions (2):

Ambry Genetics
Classification: Uncertain significance for Inborn genetic diseases. Last evaluated: 2024-12-29. Review status: criteria provided, single submitter. Criteria: Ambry Variant Classification Scheme 2023. Collection method: clinical testing. Allele origin: germline.
Comment: The p.E33K variant (also known as c.97G>A), located in coding exon 2 of the FANCA gene, results from a G to A substitution at nucleotide position 97. The glutamic acid at codon 33 is replaced by lysine, an amino acid with similar properties. This amino acid position is conserved. In addition, this alteration is predicted to be tolerated by in silico analysis. Based on the available evidence, the clinical significance of this variant remains unclear.

Labcorp Genetics (formerly Invitae), Labcorp
Classification: Uncertain significance for Fanconi anemia. Last evaluated: 2022-06-13. Review status: criteria provided, single submitter. Criteria: Invitae Variant Classification Sherloc (09022015). Collection method: clinical testing. Allele origin: germline.
Comment: This sequence change replaces glutamic acid, which is acidic and polar, with lysine, which is basic and polar, at codon 33 of the FANCA protein (p.Glu33Lys). This variant is not present in population databases (gnomAD no frequency). This variant has not been reported in the literature in individuals affected with FANCA-related conditions. Advanced modeling of protein sequence and biophysical properties (such as structural, functional, and spatial information, amino acid conservation, physicochemical variation, residue mobility, and thermodynamic stability) performed at Invitae indicates that this missense variant is not expected to disrupt FANCA protein function. In summary, the available evidence is currently insufficient to determine the role of this variant in disease. Therefore, it has been classified as a Variant of Uncertain Significance.

NM_000135.4(FANCA):c.97G>A (p.Glu33Lys)

Gene: FANCA (FA complementation group A; minus strand). Cytogenetic location: 16q24.3.
Variant type: single nucleotide variant.
Coding change: c.97G>A on transcript NM_000135.4 (MANE Select); coding-DNA position 97, G replaced by A.
Protein change: p.Glu33Lys; replaces glutamic acid 33 with lysine.
Molecular consequence: missense variant.
Genome position (GRCh38, 1-based): chr16:89,815,969, C>T on the plus strand (G>A on the coding strand, the complement: FANCA is on the minus strand). VCF-style: chr16-89815969-C-T. GRCh37 (hg19) VCF-style: chr16-89882377-C-T.
Other names: c.97G>A, p.Glu33Lys (NM_001018112.3, NM_001286167.3, NM_001351830.2); c.97G>A (NM_000135.2); short protein forms E33K.
Identifiers: ClinVar variation 1428512 (VCV001428512.6), dbSNP rs2041101017, ClinGen allele CA397483691.